The following is an entry in ClinVar:

ClinVar aggregate classification (germline): Likely pathogenic (1 of 4 stars; one submission).

Conditions:
Dilated cardiomyopathy 1G (CMD1G). Identifiers: Orphanet 154, MedGen C1858763, MONDO:0011400, OMIM 604145.
Autosomal recessive limb-girdle muscular dystrophy type 2J (LGMDR10). Also called: Limb-girdle muscular dystrophy, type 2J; MUSCULAR DYSTROPHY, LIMB-GIRDLE, AUTOSOMAL RECESSIVE 10. Identifiers: Orphanet 140922, MedGen C1837342, MONDO:0012127, OMIM 608807.

Submission:

Labcorp Genetics (formerly Invitae), Labcorp
Classification: Likely pathogenic for Dilated cardiomyopathy 1G; Autosomal recessive limb-girdle muscular dystrophy type 2J. Last evaluated: 2023-09-06. Review status: criteria provided, single submitter. Criteria: Invitae Variant Classification Sherloc (09022015). Collection method: clinical testing. Allele origin: germline.
Comment: In summary, the currently available evidence indicates that the variant is pathogenic, but additional data are needed to prove that conclusively. Therefore, this variant has been classified as Likely Pathogenic. This variant is located in the A band of TTN (PMID: 25589632). Truncating variants in this region are significantly overrepresented in patients affected with dilated cardiomyopathy (PMID: 25589632). Truncating variants in this region have also been reported in individuals affected with autosomal recessive centronuclear myopathy (PMID: 23975875). This variant has not been reported in the literature in individuals affected with TTN-related conditions. This variant is not present in population databases (gnomAD no frequency). This sequence change creates a premature translational stop signal (p.Glu16916Lysfs*11) in the TTN gene. While this is not anticipated to result in nonsense mediated decay, it is expected to create a truncated TTN protein.

Literature cited by the submitters: PubMed 25589632; PubMed 23975875.

NM_001267550.2(TTN):c.50746del (p.Glu16916fs)

Genes: TTN-AS1 (TTN antisense RNA 1; plus strand), TTN (titin; minus strand). Cytogenetic location: 2q31.2.
Variant type: Deletion.
Coding change: c.50746del on transcript NM_001267550.2 (MANE Select); coding-DNA position 50746, one base deleted (G; older notation c.50746delG).
Protein change: p.Glu16916fs; shifts the reading frame from glutamic acid 16916.
Molecular consequence: frameshift variant.
Genome position (GRCh38, 1-based): chr2:178,611,483, C deleted on the plus strand (G on the coding strand, the reverse complement: TTN is on the minus strand). VCF-style (leftmost placement, unchanged base first): chr2-178611482-TC-T. GRCh37 (hg19) VCF-style: chr2-179476209-TC-T.
Other names: c.45823del, p.Glu15275fs (NM_001256850.1); c.23551del, p.Glu7851fs (NM_003319.4); c.43042del, p.Glu14348fs (NM_133378.4); c.23926del, p.Glu7976fs (NM_133432.3); c.24127del, p.Glu8043fs (NM_133437.4); short protein forms E15275fs, E7976fs, E14348fs, E16916fs, E7851fs, E8043fs.
Identifiers: ClinVar variation 2949547 (VCV002949547.3), dbSNP rs2470494120, ClinGen allele CA2740096145.